The following is an entry in ClinVar:

ClinVar aggregate classification (germline): Uncertain significance (1 of 4 stars; one submission).

gnomAD v4.1: 4 of 1,613,918 alleles (0.00025%); highest among the groups gnomAD compares: Non-Finnish European, 0.00034%; no homozygotes.

Submission:

Labcorp Genetics (formerly Invitae), Labcorp
Classification: Uncertain significance. Last evaluated: 2021-12-19. Review status: criteria provided, single submitter. Criteria: Invitae Variant Classification Sherloc (09022015). Collection method: clinical testing. Allele origin: germline.
Comment: This variant has not been reported in the literature in individuals affected with ADGRV1-related conditions. In summary, the available evidence is currently insufficient to determine the role of this variant in disease. Therefore, it has been classified as a Variant of Uncertain Significance. Algorithms developed to predict the effect of missense changes on protein structure and function are either unavailable or do not agree on the potential impact of this missense change (SIFT: "Tolerated"; PolyPhen-2: "Possibly Damaging"; Align-GVGD: "Class C0"). This variant is not present in population databases (gnomAD no frequency). This sequence change replaces threonine, which is neutral and polar, with lysine, which is basic and polar, at codon 5440 of the ADGRV1 protein (p.Thr5440Lys).

NM_032119.4(ADGRV1):c.16319C>A (p.Thr5440Lys)

Gene: ADGRV1 (adhesion G protein-coupled receptor V1; plus strand). Cytogenetic location: 5q14.3.
Variant type: single nucleotide variant.
Coding change: c.16319C>A on transcript NM_032119.4 (MANE Select); coding-DNA position 16319, C replaced by A.
Protein change: p.Thr5440Lys; replaces threonine 5440 with lysine.
Molecular consequence: missense variant. On other transcripts: non-coding transcript variant (1).
Genome position (GRCh38, 1-based): chr5:90,823,547, C>A. VCF-style: chr5-90823547-C-A. GRCh37 (hg19) VCF-style: chr5-90119364-C-A.
Other names: short protein forms T5440K.
Identifiers: ClinVar variation 1978479 (VCV001978479.3), dbSNP rs1763798205, ClinGen allele CA360425679.